The following is an entry in ClinVar:

NM_057175.5(NAA15):c.1455del (p.Met485fs)

Gene: NAA15 (N-alpha-acetyltransferase 15, NatA auxiliary subunit; plus strand). Cytogenetic location: 4q31.1.
Variant type: Deletion.
Coding change: c.1455del on transcript NM_057175.5 (MANE Select); coding-DNA position 1455, one base deleted (G; older notation c.1455delG).
Protein change: p.Met485fs; shifts the reading frame from methionine 485.
Molecular consequence: frameshift variant.
Genome position (GRCh38, 1-based): chr4:139,360,544, G deleted. VCF-style (leftmost placement, unchanged base first): chr4-139360543-TG-T. GRCh37 (hg19) VCF-style: chr4-140281697-TG-T.
Other names: c.1455del, p.Met485fs (NM_001410842.1); c.1455delG, p.Met485Ilefs (NM_025085.2); short protein forms M485fs.
Identifiers: ClinVar variation 2636323 (VCV002636323.1), dbSNP rs2530418866, ClinGen allele CA2695198531.

ClinVar aggregate classification (germline): Likely pathogenic (1 of 4 stars; one submission).

Conditions:
NAA15-related disorder.

Submission:

PreventionGenetics, part of Exact Sciences
Classification: Likely pathogenic for NAA15-related condition. Last evaluated: 2022-08-26. Review status: criteria provided, single submitter. Criteria: ACMG Guidelines, 2015. Collection method: clinical testing. Allele origin: germline.
Comment: The NAA15 c.1455delG variant is predicted to result in a frameshift and premature protein termination (p.Met485Ilefs*14). To our knowledge, this variant has not been reported in the literature or in a large population database, indicating this variant is rare. Frameshift variants in NAA15 are expected to be pathogenic. This variant is interpreted as likely pathogenic.